The following is an entry in ClinVar:

NM_021971.4(GMPPB):c.132_141del (p.Gly45fs)

Gene: GMPPB (GDP-mannose pyrophosphorylase B; minus strand). Cytogenetic location: 3p21.31.
Variant type: Deletion.
Coding change: c.132_141del on transcript NM_021971.4 (MANE Select); coding-DNA positions 132 to 141, 10 bases deleted (AGGCGTGGAC; older notation c.132_141delAGGCGTGGAC).
Protein change: p.Gly45fs; shifts the reading frame from glycine 45.
Molecular consequence: frameshift variant.
Genome position (GRCh38, 1-based): chr3:49,723,461-49,723,470, GTCCACGCCT deleted on the plus strand (AGGCGTGGAC on the coding strand, the reverse complement: GMPPB is on the minus strand); deleting any 10 consecutive bases within chr3:49,723,461-49,723,471 gives the same sequence; the c. name uses the placement nearest the transcript's 3' end. VCF-style (leftmost placement, unchanged base first): chr3-49723460-GGTCCACGCCT-G. GRCh37 (hg19) VCF-style: chr3-49760893-GGTCCACGCCT-G.
Other names: c.132_141del, p.Gly45fs (NM_013334.4); short protein forms G45fs.
Identifiers: ClinVar variation 2936436 (VCV002936436.3), dbSNP rs2080456894, ClinGen allele CA1047775608.

ClinVar aggregate classification (germline): Pathogenic (1 of 4 stars; one submission).

Conditions:
Autosomal recessive limb-girdle muscular dystrophy type 2T. Also called: Limb-girdle muscular dystrophy-dystroglycanopathy, type C14; MUSCULAR DYSTROPHY-DYSTROGLYCANOPATHY, LIMB-GIRDLE, GMPPB-RELATED; MUSCULAR DYSTROPHY, LIMB-GIRDLE, TYPE 2T; Muscular dystrophy-dystroglycanopathy (limb-girdle), type c, 14. Identifiers: Orphanet 363623, MedGen C4518000, MONDO:0014142, OMIM 615352.
Muscular dystrophy-dystroglycanopathy (congenital with impaired intellectual development), type B, 14. Also called: Congenital muscular dystrophy-dystroglycanopathy with mental retardation, type B14; MUSCULAR DYSTROPHY, CONGENITAL, GMPPB-RELATED; Muscular dystrophy-dystroglycanopathy (congenital with intellectual disability), type B14. Identifiers: MedGen C3809221, MONDO:0014141, OMIM 615351.
Muscular dystrophy-dystroglycanopathy (congenital with brain and eye anomalies), type A14. Also called: Congenital Muscular Dystrophy-Dystroglycanopathy with Brain and Eye Anomalies Type A 14; Congenital muscular dystrophy-dystroglycanopathy with brain and eye anomalies, type A14; WALKER-WARBURG SYNDROME OR MUSCLE-EYE-BRAIN DISEASE, GMPPB-RELATED; Muscular dystrophy-dystroglycanopathy (congenital with brain and eye anomalies), type a, 14. Identifiers: Orphanet 588, MedGen C3809216, MONDO:0014140, OMIM 615350.

Submission:

Labcorp Genetics (formerly Invitae), Labcorp
Classification: Pathogenic for Autosomal recessive limb-girdle muscular dystrophy type 2T; Muscular dystrophy-dystroglycanopathy (congenital with brain and eye anomalies), type A14; Muscular dystrophy-dystroglycanopathy (congenital with impaired intellectual development), type B, 14. Last evaluated: 2023-12-28. Review status: criteria provided, single submitter. Criteria: Invitae Variant Classification Sherloc (09022015). Collection method: clinical testing. Allele origin: germline.
Comment: This sequence change creates a premature translational stop signal (p.Gly45Thrfs*2) in the GMPPB gene. It is expected to result in an absent or disrupted protein product. Loss-of-function variants in GMPPB are known to be pathogenic (PMID: 23768512, 26310427). This variant is not present in population databases (gnomAD no frequency). This variant has not been reported in the literature in individuals affected with GMPPB-related conditions. For these reasons, this variant has been classified as Pathogenic.

Literature cited by the submitters: PubMed 23768512; PubMed 26310427.